The following is an entry in ClinVar:

ClinVar aggregate classification (germline): Likely benign (1 of 4 stars; one submission).

Allele frequency attached by ClinVar (database versions not stated): gnomAD exomes below 0.00001; ExAC 0.00002.
gnomAD v4.1: 5 of 1,614,164 alleles (0.00031%); highest among the groups gnomAD compares: South Asian, 0.0033%; no homozygotes.

Submission:

CeGaT Center for Human Genetics Tuebingen
Classification: Likely benign. Last evaluated: 2023-09-01. Review status: criteria provided, single submitter. Criteria: CeGaT Center For Human Genetics Tuebingen Variant Classification Criteria Version 2. Collection method: clinical testing. Allele origin: germline. Affected: yes. Observed: 1 variant allele.
Comment: FARS2: BP4, BP7

NM_006567.5(FARS2):c.228G>A (p.Arg76=)

Genes: FARS2 (phenylalanyl-tRNA synthetase 2, mitochondrial; plus strand), LOC126859565 (CDK7 strongly-dependent group 2 enhancer GRCh37_chr6:5368745-5369944; plus strand). Cytogenetic location: 6p25.1.
Variant type: single nucleotide variant.
Coding change: c.228G>A on transcript NM_006567.5 (MANE Select); coding-DNA position 228, G replaced by A.
Protein change: p.Arg76=; no amino-acid change (arginine 76 retained).
Molecular consequence: synonymous variant. On other transcripts: intron variant (2).
Genome position (GRCh38, 1-based): chr6:5,368,798, G>A. VCF-style: chr6-5368798-G-A. GRCh37 (hg19) VCF-style: chr6-5369031-G-A.
Other names: c.228G>A, p.Arg76= (NM_001318872.2, NM_001374875.1, NM_001374876.1 and 5 more transcripts); c.-340-27835G>A (NM_001375260.1); c.-84-35744G>A (NM_001375259.1).
Identifiers: ClinVar variation 2656195 (VCV002656195.24), dbSNP rs769085279, ClinGen allele CA3623611.